The following is an entry in ClinVar:

NM_032409.3(PINK1):c.439C>T (p.Arg147Cys)

Gene: PINK1 (PTEN induced kinase 1; plus strand). Cytogenetic location: 1p36.12.
Variant type: single nucleotide variant.
Coding change: c.439C>T on transcript NM_032409.3 (MANE Select); coding-DNA position 439, C replaced by T.
Protein change: p.Arg147Cys; replaces arginine 147 with cysteine.
Molecular consequence: missense variant.
Genome position (GRCh38, 1-based): chr1:20,637,893, C>T. VCF-style: chr1-20637893-C-T. GRCh37 (hg19) VCF-style: chr1-20964386-C-T.
Other names: short protein forms R147C.
Identifiers: ClinVar variation 1514024 (VCV001514024.4), dbSNP rs889189102, ClinGen allele CA18989923.
Genomic context (GRCh38, chr1:20,637,893, plus strand): 5'-TCATCACAGGCAATTTTTACCCAGAAAAGCAAGCCGGGGCCTGACCCGTTGGACACGAGA[C>T]GCTTGCAGGGCTTTCGGCTGGAGGAGTATCTGATAGGGCAGTCCATTGGTAAGGGCTGCA-3'
Protein context (NP_115785.1, residues 137-157): KPGPDPLDTR[Arg147Cys]LQGFRLEEYL

ClinVar aggregate classification (germline): Uncertain significance (1 of 4 stars; one submission).

Conditions:
Autosomal recessive early-onset Parkinson disease 6 (PARK6). Also called: PINK1-Related Parkinson Disease; PARKINSON DISEASE 6, MODIFIER OF; PINK1 Type of Young-Onset Parkinson Disease; PARKINSON DISEASE 6, EARLY-ONSET. Identifiers: Orphanet 2828, MedGen C1853833, MONDO:0011613, OMIM 605909.

Allele frequency attached by ClinVar (database versions not stated): gnomAD 0.00002; TOPMed 0.00002; gnomAD exomes 0.00005.

Submission:

Labcorp Genetics (formerly Invitae), Labcorp
Classification: Uncertain significance for Autosomal recessive early-onset Parkinson disease 6. Last evaluated: 2021-12-02. Review status: criteria provided, single submitter. Criteria: Invitae Variant Classification Sherloc (09022015). Collection method: clinical testing. Allele origin: germline.
Comment: This variant has not been reported in the literature in individuals affected with PINK1-related conditions. This variant is present in population databases (no rsID available, gnomAD 0.007%). This sequence change replaces arginine, which is basic and polar, with cysteine, which is neutral and slightly polar, at codon 147 of the PINK1 protein (p.Arg147Cys). Algorithms developed to predict the effect of missense changes on protein structure and function output the following: SIFT: "Tolerated"; PolyPhen-2: "Benign"; Align-GVGD: "Class C0". The cysteine amino acid residue is found in multiple mammalian species, which suggests that this missense change does not adversely affect protein function. In summary, the available evidence is currently insufficient to determine the role of this variant in disease. Therefore, it has been classified as a Variant of Uncertain Significance.